The following is an entry in ClinVar:

ClinVar aggregate classification (germline): Uncertain significance (1 of 4 stars; one submission).

Submission:

Labcorp Genetics (formerly Invitae), Labcorp
Classification: Uncertain significance. Last evaluated: 2025-02-20. Review status: criteria provided, single submitter. Criteria: Invitae Variant Classification Sherloc (09022015). Collection method: clinical testing. Allele origin: germline.
Comment: This sequence change falls in intron 2 of the ANK1 gene. It does not directly change the encoded amino acid sequence of the ANK1 protein. It affects a nucleotide within the consensus splice site. This variant is not present in population databases (gnomAD no frequency). This variant has not been reported in the literature in individuals affected with ANK1-related conditions. ClinVar contains an entry for this variant (Variation ID: 2812969). Variants that disrupt the consensus splice site are a relatively common cause of aberrant splicing (PMID: 17576681, 9536098). Algorithms developed to predict the effect of sequence changes on RNA splicing suggest that this variant may disrupt the consensus splice site. In summary, the available evidence is currently insufficient to determine the role of this variant in disease. Therefore, it has been classified as a Variant of Uncertain Significance.

Literature cited by the submitters: PubMed 17576681; PubMed 9536098.

NM_000037.4(ANK1):c.129+2dup

Gene: ANK1 (ankyrin 1; minus strand). Cytogenetic location: 8p11.21.
Variant type: Duplication.
Coding change: c.129+2dup on transcript NM_000037.4 (MANE Select); the canonical splice donor site of the intron after coding-DNA position 129, one base duplicated (T; older notation c.129+2dupT).
Molecular consequence: splice donor variant.
Genome position (GRCh38, 1-based): chr8:41,758,034, A duplicated on the plus strand (T on the coding strand, the reverse complement: ANK1 is on the minus strand). VCF-style (leftmost placement, unchanged base first): chr8-41758033-T-TA. GRCh37 (hg19) VCF-style: chr8-41615551-T-TA.
Other names: c.228+2dup (NM_001142446.2); c.129+2dup (NM_020477.3, NM_020475.3, NM_020476.3).
Identifiers: ClinVar variation 2812969 (VCV002812969.3), dbSNP rs2487160893, ClinGen allele CA2739280021.